The following is an entry in ClinVar:

ClinVar aggregate classification (germline): Uncertain significance (1 of 4 stars; one submission).

Conditions:
Fanconi anemia (FA). Also called: Fanconi's anemia. Identifiers: Orphanet 84, MedGen C0015625, MeSH D005199, MONDO:0019391.

Submission:

Labcorp Genetics (formerly Invitae), Labcorp
Classification: Uncertain significance for Fanconi anemia. Last evaluated: 2022-05-19. Review status: criteria provided, single submitter. Criteria: Invitae Variant Classification Sherloc (09022015). Collection method: clinical testing. Allele origin: germline.
Comment: In summary, the available evidence is currently insufficient to determine the role of this variant in disease. Therefore, it has been classified as a Variant of Uncertain Significance. This variant has not been reported in the literature in individuals affected with FANCF-related conditions. This variant is not present in population databases (gnomAD no frequency). This sequence change affects codon 210 of the FANCF mRNA. It is a 'silent' change, meaning that it does not change the encoded amino acid sequence of the FANCF protein.

NM_022725.4(FANCF):c.628T>C (p.Leu210=)

Gene: FANCF (FA complementation group F; minus strand). Cytogenetic location: 11p14.3.
Variant type: single nucleotide variant.
Coding change: c.628T>C on transcript NM_022725.4 (MANE Select); coding-DNA position 628, T replaced by C.
Protein change: p.Leu210=; no amino-acid change (leucine 210 retained).
Molecular consequence: synonymous variant.
Genome position (GRCh38, 1-based): chr11:22,625,183, A>G on the plus strand (T>C on the coding strand, the complement: FANCF is on the minus strand). VCF-style: chr11-22625183-A-G. GRCh37 (hg19) VCF-style: chr11-22646729-A-G.
Identifiers: ClinVar variation 1996630 (VCV001996630.4), dbSNP rs2133797268, ClinGen allele CA473533804.